The following is an entry in ClinVar:

ClinVar aggregate classification (germline): Uncertain significance (1 of 4 stars; one submission).

Conditions:
X-linked immunodeficiency with magnesium defect, Epstein-Barr virus infection and neoplasia. Identifiers: Orphanet 317476, MedGen C3275445, MONDO:0010455, OMIM 300853.

Submission:

Labcorp Genetics (formerly Invitae), Labcorp
Classification: Uncertain significance for X-linked immunodeficiency with magnesium defect, Epstein-Barr virus infection and neoplasia. Last evaluated: 2022-06-27. Review status: criteria provided, single submitter. Criteria: Invitae Variant Classification Sherloc (09022015). Collection method: clinical testing. Allele origin: germline.
Comment: A copy number gain of the genomic region encompassing the full coding sequence of the MAGT1 gene has been identified. The boundaries of this event are unknown as they extend beyond the assayed region for this gene and therefore may encompass additional genes. As the precise location of this event is unknown, it may be in tandem or it may be located elsewhere in the genome. This variant has not been reported in the literature in individuals affected with MAGT1-related conditions. In summary, the available evidence is currently insufficient to determine the role of this variant in disease. Therefore, it has been classified as a Variant of Uncertain Significance.

NC_000023.10:g.(?_76763829)_(77381327_?)dup

Genes: ATP7A (ATPase copper transporting alpha; plus strand), ATRX (ATRX chromatin remodeler; minus strand), COX7B (cytochrome c oxidase subunit 7B; plus strand), MAGT1 (magnesium transporter 1; minus strand), PGAM4 (phosphoglycerate mutase family member 4; minus strand) and 1 more. Cytogenetic location: Xq21.1.
Variant type: Duplication.
Identifiers: ClinVar variation 2427017 (VCV002427017.3).